The following is an entry in ClinVar:

ClinVar aggregate classification (germline): Benign. Review status: criteria provided, multiple submitters, no conflicts (2 of 4 stars). 16 submissions from 16 submitters: Benign (11). 5 of the submissions do not count toward it. Last evaluated 2026-02-04.

Conditions:
Cardiovascular phenotype. Identifiers: MedGen CN230736.
Primary dilated cardiomyopathy (DCM). Also called: Dilated Cardiomyopathy. Identifiers: Orphanet 217604, MedGen C0007193, MeSH D002311, MONDO:0005021, HP:0001644. Inheritance: Various modes of inheritance.
Dilated cardiomyopathy 1DD (CMD1DD). Identifiers: Orphanet 154, MedGen C2750995, MONDO:0013168, OMIM 613172.

Allele frequency attached by ClinVar (database versions not stated): 1000 Genomes Project 30x 0.69051; 1000 Genomes Project 0.69708; TOPMed 0.72936; gnomAD 0.74386 and 0.74536; ESP Exome Variant Server 0.75843; gnomAD exomes 0.83993.
gnomAD v4.1: 1,042,286 of 1,259,556 alleles (83%); highest among the groups gnomAD compares: Non-Finnish European, 87%; 437,122 homozygotes.

Submissions (16):

Labcorp Genetics (formerly Invitae), Labcorp
Classification: Benign for Dilated cardiomyopathy 1DD. Last evaluated: 2026-02-04. Review status: criteria provided, single submitter. Criteria: Invitae Variant Classification Sherloc (09022015). Collection method: clinical testing. Allele origin: germline.

Blueprint Genetics
Classification: Benign. Last evaluated: 2024-11-27. Review status: criteria provided, single submitter. Criteria: ACMG Guidelines, 2015. Collection method: clinical testing. Allele origin: germline.

Genome-Nilou Lab
Classification: Benign for Dilated cardiomyopathy 1DD. Last evaluated: 2021-11-07. Review status: criteria provided, single submitter. Criteria: ACMG Guidelines, 2015. Collection method: clinical testing. Allele origin: germline. Affected: no.

Illumina Laboratory Services, Illumina
Classification: Benign for Dilated cardiomyopathy 1DD. Last evaluated: 2018-01-13. Review status: criteria provided, single submitter. Criteria: ICSL Variant Classification Criteria 13 December 2019. Collection method: clinical testing. Allele origin: germline.
Comment: This variant was observed in the ICSL laboratory as part of a predisposition screen in an ostensibly healthy population. It had not been previously curated by ICSL or reported in the Human Gene Mutation Database (HGMD: prior to June 1st, 2018), and was therefore a candidate for classification through an automated scoring system. Utilizing variant allele frequency, disease prevalence and penetrance estimates, and inheritance mode, an automated score was calculated to assess if this variant is too frequent to cause the disease. Based on the score and internal cut-off values, a variant classified as benign is not then subjected to further curation. The score for this variant resulted in a classification of benign for this disease.

Molecular Diagnostic Laboratory for Inherited Cardiovascular Disease, Montreal Heart Institute
Classification: Benign. Last evaluated: 2016-05-13. Review status: criteria provided, single submitter. Criteria: ACMG Guidelines, 2015. Collection method: clinical testing. Allele origin: germline. Affected: yes.

Ambry Genetics
Classification: Benign for Cardiovascular phenotype. Last evaluated: 2015-03-11. Review status: criteria provided, single submitter. Criteria: Ambry Variant Classification Scheme 2023. Collection method: clinical testing. Allele origin: germline.

Mayo Clinic Laboratories, Mayo Clinic
Classification: Benign. Last evaluated: 2014-03-07. Review status: criteria provided, single submitter. Criteria: ACMG Guidelines, 2015. Collection method: clinical testing. Allele origin: germline. Observed: 1,247 variant alleles.

GeneDx
Classification: Benign. Last evaluated: 2013-01-31. Review status: criteria provided, single submitter. Criteria: GeneDx Variant Classification (06012015). Collection method: clinical testing. Allele origin: germline. Affected: yes.
Comment: This variant is considered likely benign or benign based on one or more of the following criteria: it is a conservative change, it occurs at a poorly conserved position in the protein, it is predicted to be benign by multiple in silico algorithms, and/or has population frequency not consistent with disease.

Laboratory for Molecular Medicine, Mass General Brigham Personalized Medicine
Classification: Benign. Last evaluated: 2011-09-16. Review status: criteria provided, single submitter. Criteria: LMM Criteria. Collection method: clinical testing. Allele origin: germline. Observed: 1,791 variant alleles.

Breakthrough Genomics
Classification: Benign. Review status: criteria provided, single submitter. Criteria: ACMG Guidelines, 2015. Collection method: not provided. Allele origin: germline. Inheritance: Autosomal dominant inheritance. Affected: yes.

PreventionGenetics, part of Exact Sciences
Classification: Benign. Review status: criteria provided, single submitter. Criteria: ACMG Guidelines, 2015. Collection method: clinical testing. Allele origin: germline.

Cohesion Phenomics
Classification: Benign for Dilated Cardiomyopathy. Last evaluated: 2022-09-27. Review status: no assertion criteria provided. Criteria: ACMG Guidelines, 2015. Collection method: clinical testing. Allele origin: germline. Affected: yes. Not counted in ClinVar's aggregate classification.

Clinical Genetics DNA and cytogenetics Diagnostics Lab, Erasmus MC, Erasmus Medical Center
Classification: Benign. Review status: no assertion criteria provided. Collection method: clinical testing. Allele origin: germline. Affected: yes. Study: VKGL Data-share Consensus. Not counted in ClinVar's aggregate classification.

Clinical Genetics, Academic Medical Center
Classification: Benign. Review status: no assertion criteria provided. Collection method: clinical testing. Allele origin: germline. Affected: yes. Study: VKGL Data-share Consensus. Not counted in ClinVar's aggregate classification.

Diagnostic Laboratory, Department of Genetics, University Medical Center Groningen
Classification: Benign for Dilated cardiomyopathy 1DD. Review status: no assertion criteria provided. Collection method: clinical testing. Allele origin: germline. Affected: yes. Study: VKGL Data-share Consensus. Not counted in ClinVar's aggregate classification.

Joint Genome Diagnostic Labs from Nijmegen and Maastricht, Radboudumc and MUMC+
Classification: Benign. Review status: no assertion criteria provided. Collection method: clinical testing. Allele origin: germline. Affected: yes. Study: VKGL Data-share Consensus. Not counted in ClinVar's aggregate classification.

NM_001134363.3(RBM20):c.3667G>C (p.Glu1223Gln)

Gene: RBM20 (RNA binding motif protein 20; plus strand). Cytogenetic location: 10q25.2.
Variant type: single nucleotide variant.
Coding change: c.3667G>C on transcript NM_001134363.3 (MANE Select); coding-DNA position 3667, G replaced by C.
Protein change: p.Glu1223Gln; replaces glutamic acid 1223 with glutamine.
Molecular consequence: missense variant.
Genome position (GRCh38, 1-based): chr10:110,835,961, G>C. VCF-style: chr10-110835961-G-C. GRCh37 (hg19) VCF-style: chr10-112595719-G-C.
Other names: p.E1223Q:GAA>CAA; short protein forms E1223Q.
Identifiers: ClinVar variation 44016 (VCV000044016.36), dbSNP rs942077, ClinGen allele CA133384.
Genomic context (GRCh38, chr10:110,835,961, plus strand): 5'-AAGGAGACCGAGGGGGCAGATAGCCCGAGGCCAGAGGACAGCGGAATCGTGCCACGCTTC[G>C]AAAGGAAAAAGCTCTGATGCTTCTGCTTCTGCTGCTACTGCTGCTGCTGCAAGGTTGGAA-3'
Protein context (NP_001127835.2, residues 1213-1227): PEDSGIVPRF[Glu1223Gln]RKKL